The following is an entry in ClinVar:

NM_014855.3(AP5Z1):c.931+2dup

Gene: AP5Z1 (adaptor related protein complex 5 subunit zeta 1; plus strand). Cytogenetic location: 7p22.1.
Variant type: Duplication.
Coding change: c.931+2dup on transcript NM_014855.3 (MANE Select); the canonical splice donor site of the intron after coding-DNA position 931, one base duplicated (T; older notation c.931+2dupT).
Molecular consequence: splice donor variant.
Genome position (GRCh38, 1-based): chr7:4,785,050, T duplicated. VCF-style (leftmost placement, unchanged base first): chr7-4785049-G-GT. GRCh37 (hg19) VCF-style: chr7-4824680-G-GT.
Other names: c.463+2dup (NM_001364858.1).
Identifiers: ClinVar variation 3390744 (VCV003390744.1).

ClinVar aggregate classification (germline): Uncertain significance (1 of 4 stars; one submission).

Submission:

GeneDx
Classification: Uncertain significance. Last evaluated: 2024-06-10. Review status: criteria provided, single submitter. Criteria: GeneDx Variant Classification Process June 2021. Collection method: clinical testing. Allele origin: germline. Affected: yes.
Comment: Intronic variant indirectly altering the +5 splice site in a gene for which loss of function is a known mechanism of disease, and splice predictors support a deleterious effect, although in the absence of functional evidence the actual effect of this sequence change is unknown.; Not observed at significant frequency in large population cohorts (gnomAD); Has not been previously published as pathogenic or benign to our knowledge